The following is an entry in ClinVar:

NM_053025.4(MYLK):c.640G>A (p.Gly214Ser)

Gene: MYLK (myosin light chain kinase; minus strand). Cytogenetic location: 3q21.1.
Variant type: single nucleotide variant.
Coding change: c.640G>A on transcript NM_053025.4 (MANE Select); coding-DNA position 640, G replaced by A.
Protein change: p.Gly214Ser; replaces glycine 214 with serine.
Molecular consequence: missense variant.
Genome position (GRCh38, 1-based): chr3:123,737,492, C>T on the plus strand (G>A on the coding strand, the complement: MYLK is on the minus strand). VCF-style: chr3-123737492-C-T. GRCh37 (hg19) VCF-style: chr3-123456339-C-T.
Other names: c.112G>A, p.Gly38Ser (NM_001321309.2); c.640G>A, p.Gly214Ser (NM_053026.4, NM_053027.4, NM_053028.4); short protein forms G214S, G38S.
Identifiers: ClinVar variation 1753376 (VCV001753376.10), dbSNP rs200452099, ClinGen allele CA073408.

ClinVar aggregate classification (germline): Uncertain significance. Review status: criteria provided, multiple submitters, no conflicts (2 of 4 stars). 3 submissions from 3 submitters: Uncertain significance (3). Last evaluated 2026-03-12.

Conditions:
Familial thoracic aortic aneurysm and aortic dissection (TAAD). Also called: Thoracic aortic aneurysms and dissections. Identifiers: Orphanet 91387, MedGen C4707243, MONDO:0019625.
Aortic aneurysm, familial thoracic 7 (AAT7). Also called: AORTIC DISSECTION, FAMILIAL, WITH OR WITHOUT AORTIC ANEURYSM. Identifiers: MedGen C3151077, MONDO:0013418, OMIM 613780.

Allele frequency attached by ClinVar (database versions not stated): 1000 Genomes Project 30x 0.00016; ExAC 0.00001; gnomAD exomes 0.00002; 1000 Genomes Project 0.00020; gnomAD 0.00001.
gnomAD v4.1: 24 of 1,614,212 alleles (0.0015%); highest among the groups gnomAD compares: East Asian, 0.031%; 1 homozygote.

Submissions (3):

Clinical Genomics Laboratory, Washington University in St. Louis
Classification: Uncertain significance for Aortic aneurysm, familial thoracic 7. Last evaluated: 2026-03-12. Review status: criteria provided, single submitter. Criteria: ACMG Guidelines, 2015. Collection method: clinical testing. Allele origin: germline.
Comment: The MYLK c.640G>A (p.Gly214Ser) variant has been reported in at least one individual with features consistent with a connective tissue disorder (Han D et al., PMID: 38958168). The highest population minor allele frequency in the population database genome aggregation database (v.4.1.0) is 0.03%, including a homozygote, in the East Asian population. Computational predictors are uncertain as to the impact of this variant on MYLK function. This variant has been reported in the ClinVar database as a germline variant of uncertain significance by two submitters. Due to limited information, and based on ACMG/AMP guidelines for variant interpretation (Richards S et al., PMID: 25741868), the clinical significance of this variant is uncertain at this time.

Labcorp Genetics (formerly Invitae), Labcorp
Classification: Uncertain significance for Aortic aneurysm, familial thoracic 7. Last evaluated: 2025-11-13. Review status: criteria provided, single submitter. Criteria: Invitae Variant Classification Sherloc (09022015). Collection method: clinical testing. Allele origin: germline.
Comment: This sequence change replaces glycine, which is neutral and non-polar, with serine, which is neutral and polar, at codon 214 of the MYLK protein (p.Gly214Ser). This variant is present in population databases (rs200452099, gnomAD 0.006%). This missense change has been observed in individual(s) with MYLK-related conditions (PMID: 38958168). ClinVar contains an entry for this variant (Variation ID: 1753376). Invitae Evidence Modeling of protein sequence and biophysical properties (such as structural, functional, and spatial information, amino acid conservation, physicochemical variation, residue mobility, and thermodynamic stability) indicates that this missense variant is not expected to disrupt MYLK protein function with a negative predictive value of 95%. In summary, the available evidence is currently insufficient to determine the role of this variant in disease. Therefore, it has been classified as a Variant of Uncertain Significance.

Ambry Genetics
Classification: Uncertain significance for Familial thoracic aortic aneurysm and aortic dissection. Last evaluated: 2024-06-09. Review status: criteria provided, single submitter. Criteria: Ambry Variant Classification Scheme 2023. Collection method: clinical testing. Allele origin: germline.
Comment: The p.G214S variant (also known as c.640G>A), located in coding exon 5 of the MYLK gene, results from a G to A substitution at nucleotide position 640. The glycine at codon 214 is replaced by serine, an amino acid with similar properties. This amino acid position is highly conserved in available vertebrate species. In addition, the in silico prediction for this alteration is inconclusive. Since supporting evidence is limited at this time, the clinical significance of this alteration remains unclear.

Literature cited by the submitters: PubMed 38958168 (cited by Labcorp Genetics (formerly Invitae), Labcorp).